The following is an entry in ClinVar:

NM_152295.5(TARS1):c.330T>C (p.Ser110=)

Gene: TARS1 (threonyl-tRNA synthetase 1; plus strand). Cytogenetic location: 5p13.3.
Variant type: single nucleotide variant.
Coding change: c.330T>C on transcript NM_152295.5 (MANE Select); coding-DNA position 330, T replaced by C.
Protein change: p.Ser110=; no amino-acid change (serine 110 retained).
Molecular consequence: synonymous variant. On other transcripts: non-coding transcript variant (2).
Genome position (GRCh38, 1-based): chr5:33,453,289, T>C. VCF-style: chr5-33453289-T-C. GRCh37 (hg19) VCF-style: chr5-33453394-T-C.
Other names: c.330T>C, p.Ser110= (NM_001258437.1); c.429T>C, p.Leu143= (NM_001258438.2).
Identifiers: ClinVar variation 3905730 (VCV003905730.10).

ClinVar aggregate classification (germline): Likely benign (1 of 4 stars; one submission).

Submission:

CeGaT Center for Human Genetics Tuebingen
Classification: Likely benign. Last evaluated: 2025-05-01. Review status: criteria provided, single submitter. Criteria: CeGaT Center For Human Genetics Tuebingen Variant Classification Criteria Version 2. Collection method: clinical testing. Allele origin: germline. Affected: yes. Observed: 1 variant allele.
Comment: TARS1: PM2:Supporting, BP4, BP7